The following is an entry in ClinVar:

NM_000828.5(GRIA3):c.2416G>A (p.Gly806Ser)

Gene: GRIA3 (glutamate ionotropic receptor AMPA type subunit 3; plus strand). Cytogenetic location: Xq25.
Variant type: single nucleotide variant.
Coding change: c.2416G>A on transcript NM_000828.5 (MANE Plus Clinical); coding-DNA position 2416, G replaced by A.
Protein change: p.Gly806Ser; replaces glycine 806 with serine.
Molecular consequence: missense variant. On other transcripts: intron variant (1).
Genome position (GRCh38, 1-based): chrX:123,465,765, G>A. VCF-style: chrX-123465765-G-A. GRCh37 (hg19) VCF-style: chrX-122599616-G-A.
Other names: c.2324+653G>A (NM_007325.5); short protein forms G806S.
Identifiers: ClinVar variation 423539 (VCV000423539.5), dbSNP rs983937785, ClinGen allele CA16621195.

ClinVar aggregate classification (germline): Uncertain significance. Review status: criteria provided, multiple submitters, no conflicts (2 of 4 stars). 2 submissions from 2 submitters: Uncertain significance (2). Last evaluated 2024-06-13.

Allele frequency attached by ClinVar (database versions not stated): gnomAD exomes below 0.00001; TOPMed 0.00002.

Submissions (2):

Labcorp Genetics (formerly Invitae), Labcorp
Classification: Uncertain significance. Last evaluated: 2024-06-13. Review status: criteria provided, single submitter. Criteria: Invitae Variant Classification Sherloc (09022015). Collection method: clinical testing. Allele origin: germline.
Comment: This sequence change replaces glycine, which is neutral and non-polar, with serine, which is neutral and polar, at codon 806 of the GRIA3 protein (p.Gly806Ser). This variant is not present in population databases (gnomAD no frequency). This variant has not been reported in the literature in individuals affected with GRIA3-related conditions. ClinVar contains an entry for this variant (Variation ID: 423539). Advanced modeling of protein sequence and biophysical properties (such as structural, functional, and spatial information, amino acid conservation, physicochemical variation, residue mobility, and thermodynamic stability) performed at Invitae indicates that this missense variant is not expected to disrupt GRIA3 protein function with a negative predictive value of 80%. In summary, the available evidence is currently insufficient to determine the role of this variant in disease. Therefore, it has been classified as a Variant of Uncertain Significance.

GeneDx
Classification: Uncertain significance. Last evaluated: 2024-02-15. Review status: criteria provided, single submitter. Criteria: GeneDx Variant Classification Process June 2021. Collection method: clinical testing. Allele origin: germline. Affected: yes.
Comment: Published functional studies suggest this variant may compromise protein abundance, surface expression and protein activity with a reduction in receptor sensitivity (PMID: 37921875); In silico analysis supports that this missense variant has a deleterious effect on protein structure/function; This variant is associated with the following publications: (PMID: 37921875)